The following is an entry in ClinVar:

NM_005188.4(CBL):c.1081A>G (p.Ile361Val)

Gene: CBL (Cbl proto-oncogene; plus strand). Cytogenetic location: 11q23.3.
Variant type: single nucleotide variant.
Coding change: c.1081A>G on transcript NM_005188.4 (MANE Select); coding-DNA position 1081, A replaced by G.
Protein change: p.Ile361Val; replaces isoleucine 361 with valine.
Molecular consequence: missense variant.
Genome position (GRCh38, 1-based): chr11:119,277,830, A>G. VCF-style: chr11-119277830-A-G. GRCh37 (hg19) VCF-style: chr11-119148540-A-G.
Other names: short protein forms I361V.
Identifiers: ClinVar variation 1994768 (VCV001994768.4), dbSNP rs753498708, ClinGen allele CA6318417.
Genomic context (GRCh38, chr11:119,277,830, plus strand): 5'-GATGGACGAAATCAGAATCCTGATCTGACTGGCTTATGTGAACCAACTCCCCAAGACCAT[A>G]TCAAAGTGACCCAGGTGAGTTTTGTTTCACATGATAACCATATCACTGGACACAAGCTTT-3'
Protein context (NP_005179.2, residues 351-371): GLCEPTPQDH[Ile361Val]KVTQEQYELY

ClinVar aggregate classification (germline): Uncertain significance (1 of 4 stars; one submission).

Conditions:
RASopathy. Also called: rasopathies; Noonan spectrum disorder. Identifiers: Orphanet 536391, MedGen C5555857, MONDO:0021060.

Allele frequency attached by ClinVar (database versions not stated): TOPMed below 0.00001; ExAC 0.00001.
gnomAD v4.1: 1 of 1,612,282 alleles (0.000062%); highest among the groups gnomAD compares: East Asian, 0.0022%; no homozygotes.

Submission:

Labcorp Genetics (formerly Invitae), Labcorp
Classification: Uncertain significance for RASopathy. Last evaluated: 2022-05-15. Review status: criteria provided, single submitter. Criteria: Invitae Variant Classification Sherloc (09022015). Collection method: clinical testing. Allele origin: germline.
Comment: In summary, the available evidence is currently insufficient to determine the role of this variant in disease. Therefore, it has been classified as a Variant of Uncertain Significance. This sequence change replaces isoleucine, which is neutral and non-polar, with valine, which is neutral and non-polar, at codon 361 of the CBL protein (p.Ile361Val). This variant is not present in population databases (gnomAD no frequency). This variant has not been reported in the literature in individuals affected with CBL-related conditions. Advanced modeling of protein sequence and biophysical properties (such as structural, functional, and spatial information, amino acid conservation, physicochemical variation, residue mobility, and thermodynamic stability) performed at Invitae indicates that this missense variant is not expected to disrupt CBL protein function.